The following is an entry in ClinVar:

NM_003590.5(CUL3):c.1610+10A>G

Gene: CUL3 (cullin 3; minus strand). Cytogenetic location: 2q36.2.
Variant type: single nucleotide variant.
Coding change: c.1610+10A>G on transcript NM_003590.5 (MANE Select); 10 bases into the intron after coding-DNA position 1610, A replaced by G.
Molecular consequence: intron variant.
Genome position (GRCh38, 1-based): chr2:224,500,353, T>C on the plus strand (A>G on the coding strand, the complement: CUL3 is on the minus strand). VCF-style: chr2-224500353-T-C. GRCh37 (hg19) VCF-style: chr2-225365070-T-C.
Other names: c.1412+10A>G (NM_001257197.2); c.1628+10A>G (NM_001257198.2).
Identifiers: ClinVar variation 3721277 (VCV003721277.2).

ClinVar aggregate classification (germline): Uncertain significance (1 of 4 stars; one submission).

Submission:

Labcorp Genetics (formerly Invitae), Labcorp
Classification: Uncertain significance. Last evaluated: 2024-09-21. Review status: criteria provided, single submitter. Criteria: Invitae Variant Classification Sherloc (09022015). Collection method: clinical testing. Allele origin: germline.
Comment: This sequence change falls in intron 11 of the CUL3 gene. It does not directly change the encoded amino acid sequence of the CUL3 protein. This variant is not present in population databases (gnomAD no frequency). This variant has not been reported in the literature in individuals affected with CUL3-related conditions. Algorithms developed to predict the effect of sequence changes on RNA splicing suggest that this variant may create or strengthen a splice site. In summary, the available evidence is currently insufficient to determine the role of this variant in disease. Therefore, it has been classified as a Variant of Uncertain Significance.